The following is an entry in ClinVar:

NM_002474.3(MYH11):c.4825C>T (p.Arg1609Ter)

Genes: MYH11 (myosin heavy chain 11; minus strand), NDE1 (nudE neurodevelopment protein 1; plus strand). Cytogenetic location: 16p13.11.
Variant type: single nucleotide variant.
Coding change: c.4825C>T on transcript NM_002474.3 (MANE Select); coding-DNA position 4825, C replaced by T.
Protein change: p.Arg1609Ter; replaces arginine 1609 with a stop codon.
Molecular consequence: nonsense. On other transcripts: intron variant (2).
Genome position (GRCh38, 1-based): chr16:15,720,279, G>A on the plus strand (C>T on the coding strand, the complement: MYH11 is on the minus strand). VCF-style: chr16-15720279-G-A. GRCh37 (hg19) VCF-style: chr16-15814136-G-A.
Other names: c.4846C>T, p.Arg1616Ter (NM_001040113.2, NM_001040114.2); c.4825C>T, p.Arg1609Ter (NM_022844.3); c.948-3912G>A (NM_001143979.2, NM_017668.3); short protein forms R1609*, R1616*.
Identifiers: ClinVar variation 632911 (VCV000632911.2), dbSNP rs1055960218, ClinGen allele CA394852706.
Genomic context (GRCh38, chr16:15,720,279, plus strand): 5'-GGTCTTTCAGGTCCCCTTCCAGCTTCTTCTTTGCTGCAGCTGCCAGGGCACGTTGCTTTC[G>A]CTCGTCTTCCAGTTCCGTCTCATACTCGTGAAGCTGGGCGAGGAATAGAGATGTGTGCTG-3'

ClinVar aggregate classification (germline): Conflicting classifications of pathogenicity. Review status: criteria provided, conflicting classifications (1 of 4 stars). 2 submissions from 2 submitters: Likely pathogenic (1); Uncertain significance (1). Last evaluated 2023-11-20.

Conditions:
Familial thoracic aortic aneurysm and aortic dissection (TAAD). Also called: Thoracic aortic aneurysms and dissections. Identifiers: Orphanet 91387, MedGen C4707243, MONDO:0019625.
Familial aortopathy. Identifiers: MedGen CN078214.

gnomAD v4.1: 1 of 1,614,060 alleles (0.000062%); highest among the groups gnomAD compares: African/African-American, 0.0013%; no homozygotes.

Submissions (2):

All of Us Research Program, National Institutes of Health
Classification: Uncertain significance for Familial thoracic aortic aneurysm and aortic dissection. Last evaluated: 2023-11-20. Review status: criteria provided, single submitter. Criteria: ACMG Guidelines, 2015. Collection method: clinical testing. Allele origin: germline. Inheritance: Autosomal dominant inheritance. Observed: 1 variant allele, 1 heterozygote.
Comment: This variant changes 1 nucleotide in exon 35 of the MYH11 gene, creating a premature translation stop signal. This variant is expected to result in an absent or non-functional protein product. To our knowledge, this variant has not been reported in individuals affected with MYH11-related disorders in the literature. This variant has not been identified in the general population by the Genome Aggregation Database (gnomAD). Clinical relevance of loss-of-function MYH11 truncation variants in autosomal dominant cardiovascular disorders is not clearly established. The available evidence is insufficient to determine the role of this variant in disease conclusively. Therefore, this variant is classified as a Variant of Uncertain Significance.

This study involves interpretation of variants in research participants for the purpose of population health screening. Participant phenotype was not available at the time of variant classification. Additional details can be found in publication PMID: 35346344, PMCID: PMC8962531

Women's Health and Genetics/Laboratory Corporation of America, LabCorp
Classification: Likely pathogenic for Familial aortopathy. Last evaluated: 2018-02-20. Review status: criteria provided, single submitter. Criteria: LabCorp Variant Classification Summary - May 2015. Collection method: clinical testing. Allele origin: germline.
Comment: Variant summary: MYH11 c.4846C>T (p.Arg1616X) results in a premature termination codon, predicted to cause a truncation of the encoded protein or absence of the protein due to nonsense mediated decay, which could be a mechanism for disease, although commonly missense mutations have been reported as a common mechanism for disease. The variant was absent in 119736 control chromosomes (ExAC). To our knowledge, no occurrence of c.4846C>T in individuals affected with Aortopathy and no experimental evidence demonstrating its impact on protein function have been reported. No clinical diagnostic laboratories have submitted clinical-significance assessments for this variant to ClinVar after 2014. Based on the evidence outlined above, the variant was classified as likely pathogenic.